The following is an entry in ClinVar:

NM_004336.5(BUB1):c.2729A>G (p.Asp910Gly)

Gene: BUB1 (BUB1 mitotic checkpoint serine/threonine kinase; minus strand). Cytogenetic location: 2q13.
Variant type: single nucleotide variant.
Coding change: c.2729A>G on transcript NM_004336.5 (MANE Select); coding-DNA position 2729, A replaced by G.
Protein change: p.Asp910Gly; replaces aspartic acid 910 with glycine.
Molecular consequence: missense variant. On other transcripts: intron variant (1).
Genome position (GRCh38, 1-based): chr2:110,641,361, T>C on the plus strand (A>G on the coding strand, the complement: BUB1 is on the minus strand). VCF-style: chr2-110641361-T-C. GRCh37 (hg19) VCF-style: chr2-111398938-T-C.
Other names: c.2669A>G, p.Asp890Gly (NM_001278616.2); c.2626-169A>G (NM_001278617.2); short protein forms D910G, D890G.
Identifiers: ClinVar variation 2565783 (VCV002565783.2), dbSNP rs2467971087, ClinGen allele CA348089589.

ClinVar aggregate classification (germline): Uncertain significance (1 of 4 stars; one submission).

Allele frequency attached by ClinVar (database versions not stated): gnomAD exomes below 0.00001.
gnomAD v4.1: 2 of 1,614,050 alleles (0.00012%); highest among the groups gnomAD compares: Non-Finnish European, 0.00017%; no homozygotes.

Submission:

Ambry Genetics
Classification: Uncertain significance. Last evaluated: 2023-03-27. Review status: criteria provided, single submitter. Criteria: Ambry Variant Classification Scheme 2023. Collection method: clinical testing. Allele origin: germline.
Comment: The p.D910G variant (also known as c.2729A>G), located in coding exon 22 of the BUB1 gene, results from an A to G substitution at nucleotide position 2729. The aspartic acid at codon 910 is replaced by glycine, an amino acid with similar properties. This amino acid position is conserved. In addition, this alteration is predicted to be tolerated by in silico analysis. Since supporting evidence is limited at this time, the clinical significance of this alteration remains unclear.